The following is an entry in ClinVar:

NM_024675.4(PALB2):c.2955T>C (p.Ser985=)

Gene: PALB2 (partner and localizer of BRCA2; minus strand). Cytogenetic location: 16p12.2.
Variant type: single nucleotide variant.
Coding change: c.2955T>C on transcript NM_024675.4 (MANE Select); coding-DNA position 2955, T replaced by C.
Protein change: p.Ser985=; no amino-acid change (serine 985 retained).
Molecular consequence: synonymous variant.
Genome position (GRCh38, 1-based): chr16:23,623,010, A>G on the plus strand (T>C on the coding strand, the complement: PALB2 is on the minus strand). VCF-style: chr16-23623010-A-G. GRCh37 (hg19) VCF-style: chr16-23634331-A-G.
Identifiers: ClinVar variation 830183 (VCV000830183.13), dbSNP rs765643734, ClinGen allele CA494180393.

ClinVar aggregate classification (germline): Likely benign. Review status: criteria provided, multiple submitters, no conflicts (2 of 4 stars). 3 submissions from 3 submitters: Likely benign (2). 1 of the submissions does not count toward it. Last evaluated 2020-07-23.

Conditions:
Hereditary cancer-predisposing syndrome. Also called: Hereditary neoplastic syndrome; Neoplastic Syndromes, Hereditary; Tumor predisposition; Hereditary Cancer Syndrome. Identifiers: Orphanet 140162, MedGen C0027672, MeSH D009386, MONDO:0015356.
Familial cancer of breast. Also called: BREAST CANCER, FAMILIAL; Hereditary breast cancer; hereditary breast carcinoma. Identifiers: Orphanet 227535, MedGen C0346153, MONDO:0016419, OMIM 114480. Disease mechanism: loss of function.

Submissions (3):

Labcorp Genetics (formerly Invitae), Labcorp
Classification: Likely benign for Familial cancer of breast. Last evaluated: 2020-07-23. Review status: criteria provided, single submitter. Criteria: Invitae Variant Classification Sherloc (09022015). Collection method: clinical testing. Allele origin: germline.

Color Diagnostics, LLC DBA Color Health
Classification: Likely benign for Hereditary cancer-predisposing syndrome. Last evaluated: 2020-03-21. Review status: criteria provided, single submitter. Criteria: ACMG Guidelines, 2015. Collection method: clinical testing. Allele origin: germline.

Leiden Open Variation Database
Classification: Uncertain significance. Last evaluated: 2018-10-10. Review status: no assertion criteria provided. Collection method: curation. Allele origin: germline. Affected: yes. Not counted in ClinVar's aggregate classification.
Comment: Curators: Marc Tischkowitz, Arleen D. Auerbach. Submitter to LOVD: Yukihide Momozawa.

Literature cited by the submitters: PubMed 30287823 (cited by Leiden Open Variation Database).